The following is an entry in ClinVar:

ClinVar aggregate classification (germline): Likely benign. Review status: criteria provided, multiple submitters, no conflicts (2 of 4 stars). 3 submissions from 3 submitters: Likely benign (3). Last evaluated 2024-06-01.

Conditions:
Joubert syndrome 21 (JBTS21). Identifiers: MedGen C3810212, MONDO:0014288, OMIM 615636.

Allele frequency attached by ClinVar (database versions not stated): gnomAD exomes below 0.00001; TOPMed below 0.00001.
gnomAD v4.1: 4 of 1,608,276 alleles (0.00025%); highest among the groups gnomAD compares: Non-Finnish European, 0.00034%; no homozygotes.

Submissions (3):

CeGaT Center for Human Genetics Tuebingen
Classification: Likely benign. Last evaluated: 2024-06-01. Review status: criteria provided, single submitter. Criteria: CeGaT Center For Human Genetics Tuebingen Variant Classification Criteria Version 2. Collection method: clinical testing. Allele origin: germline. Affected: yes. Observed: 1 variant allele.
Comment: CSPP1: BP4, BP7

Labcorp Genetics (formerly Invitae), Labcorp
Classification: Likely benign for Joubert syndrome 21. Last evaluated: 2022-04-25. Review status: criteria provided, single submitter. Criteria: Invitae Variant Classification Sherloc (09022015). Collection method: clinical testing. Allele origin: germline.

GeneDx
Classification: Likely benign. Last evaluated: 2017-09-14. Review status: criteria provided, single submitter. Criteria: GeneDx Variant Classification (06012015). Collection method: clinical testing. Allele origin: germline. Affected: yes.
Comment: This variant is considered likely benign or benign based on one or more of the following criteria: it is a conservative change, it occurs at a poorly conserved position in the protein, it is predicted to be benign by multiple in silico algorithms, and/or has population frequency not consistent with disease.

NM_001382391.1(CSPP1):c.2421G>A (p.Arg807=)

Gene: CSPP1 (centrosome and spindle pole associated protein 1; plus strand). Cytogenetic location: 8q13.2.
Variant type: single nucleotide variant.
Coding change: c.2421G>A on transcript NM_001382391.1 (MANE Select); coding-DNA position 2421, G replaced by A.
Protein change: p.Arg807=; no amino-acid change (arginine 807 retained).
Molecular consequence: synonymous variant.
Genome position (GRCh38, 1-based): chr8:67,159,020, G>A. VCF-style: chr8-67159020-G-A. GRCh37 (hg19) VCF-style: chr8-68071255-G-A.
Other names: c.1371G>A, p.Arg457= (NM_001291339.2); c.2340G>A, p.Arg780= (NM_001363131.2); c.2226G>A, p.Arg742= (NM_001363132.2); c.2145G>A, p.Arg715= (NM_001363133.2); c.2487G>A, p.Arg829= (NM_001364869.1); c.2307G>A, p.Arg769= (NM_001364870.1); c.2406G>A, p.Arg802= (NM_024790.7).
Identifiers: ClinVar variation 511792 (VCV000511792.27), dbSNP rs1209655756, ClinGen allele CA461296258.
Genomic context (GRCh38, chr8:67,159,020, plus strand): 5'-TGGAATGCATATTTCTCTTTTTATTTTAAAGCAAAGGCTAAAAAATGAAGAGCATATTCG[G>A]TTAGCTGAAGAAAGACAAAAAGAAGCAGAAAGAAAGAAGAAAGAAGAAGAAGAAAAATAT-3'
Protein context (NP_001369320.1, residues 797-817): EQRLKNEEHI[Arg807=]LAEERQKEAE